The following is an entry in ClinVar:

NM_007254.4(PNKP):c.1480G>A (p.Gly494Ser)

Gene: PNKP (polynucleotide kinase 3'-phosphatase; minus strand). Cytogenetic location: 19q13.33.
Variant type: single nucleotide variant.
Coding change: c.1480G>A on transcript NM_007254.4 (MANE Select); coding-DNA position 1480, G replaced by A.
Protein change: p.Gly494Ser; replaces glycine 494 with serine.
Molecular consequence: missense variant.
Genome position (GRCh38, 1-based): chr19:49,861,334, C>T on the plus strand (G>A on the coding strand, the complement: PNKP is on the minus strand). VCF-style: chr19-49861334-C-T. GRCh37 (hg19) VCF-style: chr19-50364591-C-T.
Other names: short protein forms G494S.
Identifiers: ClinVar variation 1959889 (VCV001959889.5), dbSNP rs753976364, ClinGen allele CA9586335.
Genomic context (GRCh38, chr19:49,861,334, plus strand): 5'-GCCGCCCCAGCCTCGGCTCCACCCATAGCCGGAACGGGATCTCCAGGATGGCAGAGAAGC[C>T]TTCAGCCAGCGTTGGGGCCTCGAACTGCTTCCTGGCAGTGGTGGGAACAGTGAGGGACAG-3'
Protein context (NP_009185.2, residues 484-504): KQFEAPTLAE[Gly494Ser]FSAILEIPFR

ClinVar aggregate classification (germline): Uncertain significance (1 of 4 stars; one submission).

Conditions:
Developmental and epileptic encephalopathy, 12 (DEE12). Identifiers: MedGen C3150988, MONDO:0013389, OMIM 613722.

Allele frequency attached by ClinVar (database versions not stated): gnomAD exomes 0.00001; ExAC 0.00002.

Submission:

Labcorp Genetics (formerly Invitae), Labcorp
Classification: Uncertain significance for Developmental and epileptic encephalopathy, 12. Last evaluated: 2024-10-29. Review status: criteria provided, single submitter. Criteria: Invitae Variant Classification Sherloc (09022015). Collection method: clinical testing. Allele origin: germline.
Comment: This sequence change replaces glycine, which is neutral and non-polar, with serine, which is neutral and polar, at codon 494 of the PNKP protein (p.Gly494Ser). This variant is present in population databases (rs753976364, gnomAD 0.01%). This variant has not been reported in the literature in individuals affected with PNKP-related conditions. ClinVar contains an entry for this variant (Variation ID: 1959889). Invitae Evidence Modeling of protein sequence and biophysical properties (such as structural, functional, and spatial information, amino acid conservation, physicochemical variation, residue mobility, and thermodynamic stability) indicates that this missense variant is expected to disrupt PNKP protein function with a positive predictive value of 80%. In summary, the available evidence is currently insufficient to determine the role of this variant in disease. Therefore, it has been classified as a Variant of Uncertain Significance.